The following is an entry in ClinVar:

NM_004531.5(MOCS2):c.367C>T (p.His123Tyr)

Gene: MOCS2 (molybdenum cofactor synthesis 2; minus strand). Cytogenetic location: 5q11.2.
Variant type: single nucleotide variant.
Coding change: c.367C>T on transcript NM_004531.5 (MANE Select); coding-DNA position 367, C replaced by T.
Protein change: p.His123Tyr; replaces histidine 123 with tyrosine.
Molecular consequence: missense variant. On other transcripts: 3 prime UTR variant (1).
Genome position (GRCh38, 1-based): chr5:53,101,369, G>A on the plus strand (C>T on the coding strand, the complement: MOCS2 is on the minus strand). VCF-style: chr5-53101369-G-A. GRCh37 (hg19) VCF-style: chr5-52397199-G-A.
Other names: c.*287C>T (NM_176806.4); short protein forms H123Y.
Identifiers: ClinVar variation 218640 (VCV000218640.64), dbSNP rs2233218, ClinGen allele CA249227.

ClinVar aggregate classification (germline): Conflicting classifications of pathogenicity. Review status: criteria provided, conflicting classifications (1 of 4 stars). 8 submissions from 8 submitters: Uncertain significance (1); Benign (4); Likely benign (3). Last evaluated 2026-08-01.

Conditions:
Sulfite oxidase deficiency due to molybdenum cofactor deficiency type B1 (MOCODB1). Also called: Molybdenum cofactor deficiency, complementation group B; MOLYBDENUM COFACTOR DEFICIENCY, TYPE B1; Molybdenum cofactor deficiency B; Sulfite oxidase deficiency due to molybdenum cofactor deficiency type B. Identifiers: Orphanet 308393, Orphanet 833, MedGen C6065887, MONDO:0009644, OMIM 252160.

Allele frequency attached by ClinVar (database versions not stated): 1000 Genomes Project 30x 0.00250; 1000 Genomes Project 0.00260; ExAC 0.00363; gnomAD exomes 0.00368 and 0.00550; gnomAD 0.00393 and 0.00399; ESP Exome Variant Server 0.00408; TOPMed 0.00417.
gnomAD v4.1: 8,633 of 1,613,744 alleles (0.53%); highest among the groups gnomAD compares: Non-Finnish European, 0.66%; 28 homozygotes.

Submissions (8):

CeGaT Center for Human Genetics Tuebingen
Classification: Likely benign. Last evaluated: 2026-08-01. Review status: criteria provided, single submitter. Criteria: CeGaT Center For Human Genetics Tuebingen Variant Classification Criteria Version 2. Collection method: clinical testing. Allele origin: germline. Affected: yes. Observed: 28 variant alleles.
Comment: MOCS2: BS2

Labcorp Genetics (formerly Invitae), Labcorp
Classification: Benign. Last evaluated: 2026-02-04. Review status: criteria provided, single submitter. Criteria: Invitae Variant Classification Sherloc (09022015). Collection method: clinical testing. Allele origin: germline.

ARUP Laboratories, Molecular Genetics and Genomics, ARUP Laboratories
Classification: Benign for Sulfite oxidase deficiency due to molybdenum cofactor deficiency type B1. Last evaluated: 2025-05-01. Review status: criteria provided, single submitter. Criteria: ARUP Molecular Germline Variant Investigation Process 2024. Collection method: clinical testing. Allele origin: germline.

Blueprint Genetics
Classification: Likely benign. Last evaluated: 2024-11-21. Review status: criteria provided, single submitter. Criteria: ACMG Guidelines, 2015. Collection method: clinical testing. Allele origin: germline.

Mayo Clinic Laboratories, Mayo Clinic
Classification: Benign. Last evaluated: 2024-02-20. Review status: criteria provided, single submitter. Criteria: ACMG Guidelines, 2015. Collection method: clinical testing. Allele origin: germline. Observed: 6 variant alleles.
Comment: BS1, BS2

Department of Pathology and Laboratory Medicine, Sinai Health System
Classification: Likely benign for Sulfite oxidase deficiency due to molybdenum cofactor deficiency type B1. Last evaluated: 2021-07-30. Review status: criteria provided, single submitter. Criteria: ACMG Guidelines, 2015. Collection method: research. Allele origin: germline.

Illumina Laboratory Services, Illumina
Classification: Benign for Sulfite oxidase deficiency due to molybdenum cofactor deficiency type B1. Last evaluated: 2017-04-27. Review status: criteria provided, single submitter. Criteria: ICSL Variant Classification Criteria 13 December 2019. Collection method: clinical testing. Allele origin: germline.
Comment: This variant was observed as part of a predisposition screen in an ostensibly healthy population. A literature search was performed for the gene, cDNA change, and amino acid change (where applicable). No publications were found based on this search. Allele frequency data from public databases was too high to be consistent with this variant causing disease. Therefore, this variant is classified as benign.

Genomic Diagnostic Laboratory, Division of Genomic Diagnostics, Children's Hospital of Philadelphia
Classification: Uncertain significance. Last evaluated: 2015-04-14. Review status: criteria provided, single submitter. Criteria: DGD Variant Analysis Guidelines. Collection method: clinical testing. Allele origin: unknown.